The following is an entry in ClinVar:

ClinVar aggregate classification (germline): Uncertain significance (1 of 4 stars; one submission).

gnomAD v4.1: 1 of 1,614,130 alleles (0.000062%); no homozygotes.

Submission:

Women's Health and Genetics/Laboratory Corporation of America, LabCorp
Classification: Uncertain significance. Last evaluated: 2024-09-13. Review status: criteria provided, single submitter. Criteria: LabCorp Variant Classification Summary - May 2015. Collection method: clinical testing. Allele origin: germline.
Comment: Variant summary: DUOXA2 c.280C>T (p.Arg94Cys) results in a non-conservative amino acid change in the encoded protein sequence. Three of five in-silico tools predict a damaging effect of the variant on protein function. The variant was absent in 249492 control chromosomes. The available data on variant occurrences in the general population are insufficient to allow any conclusion about variant significance. c.280C>T has been reported in the literature in individuals affected with Thyroglobulin synthesis defect, but only 1 reported individual is compound heterozygous while others are reported with no second allele or with a variant in another gene (Park_2016, Wang_2020, Wang_2020). These report(s) do not provide unequivocal conclusions about association of the variant with Thyroglobulin synthesis defect. To our knowledge, no experimental evidence demonstrating an impact on protein function has been reported. The following publications have been ascertained in the context of this evaluation (PMID: 26709262, 32425884, 32319661). No submitters have cited clinical-significance assessments for this variant to ClinVar. Based on the evidence outlined above, the variant was classified as uncertain significance.

Literature cited by the submitters: PubMed 32425884; PubMed 32319661; PubMed 26709262.

NM_207581.4(DUOXA2):c.280C>T (p.Arg94Cys)

Gene: DUOXA2 (dual oxidase maturation factor 2; plus strand). Cytogenetic location: 15q21.1.
Variant type: single nucleotide variant.
Coding change: c.280C>T on transcript NM_207581.4 (MANE Select); coding-DNA position 280, C replaced by T.
Protein change: p.Arg94Cys; replaces arginine 94 with cysteine.
Molecular consequence: missense variant.
Genome position (GRCh38, 1-based): chr15:45,116,198, C>T. VCF-style: chr15-45116198-C-T. GRCh37 (hg19) VCF-style: chr15-45408396-C-T.
Other names: short protein forms R94C.
Identifiers: ClinVar variation 3374810 (VCV003374810.1).